The following is an entry in ClinVar:

NM_005012.4(ROR1):c.892C>T (p.Arg298Trp)

Gene: ROR1 (ROR family WNT receptor 1; plus strand). Cytogenetic location: 1p31.3.
Variant type: single nucleotide variant.
Coding change: c.892C>T on transcript NM_005012.4 (MANE Select); coding-DNA position 892, C replaced by T.
Protein change: p.Arg298Trp; replaces arginine 298 with tryptophan.
Molecular consequence: missense variant.
Genome position (GRCh38, 1-based): chr1:64,140,390, C>T. VCF-style: chr1-64140390-C-T. GRCh37 (hg19) VCF-style: chr1-64606073-C-T.
Other names: c.892C>T, p.Arg298Trp (NM_001083592.2); short protein forms R298W.
Identifiers: ClinVar variation 4990631 (VCV004990631.1).
Genomic context (GRCh38, chr1:64,140,390, plus strand): 5'-AAACTGCCAAACTGTGAAGATCTCCCCCAGCCAGAGAGCCCAGAAGCTGCGAACTGTATC[C>T]GGATTGGAATTCCCATGGCAGATCCTATAAATAAAAGTAAGTGGTAGCCCCTGACCTTCT-3'
Protein context (NP_005003.2, residues 288-308): PESPEAANCI[Arg298Trp]IGIPMADPIN

ClinVar aggregate classification (germline): Uncertain significance (1 of 4 stars; one submission).

Conditions:
ROR1-related disorder. Also called: ROR1-related condition.

gnomAD v4.1: 29 of 1,613,976 alleles (0.0018%); highest among the groups gnomAD compares: African/African-American, 0.004%; no homozygotes.

Submission:

PreventionGenetics, part of Exact Sciences
Classification: Uncertain significance for ROR1-related condition. Last evaluated: 2025-05-22. Review status: criteria provided, single submitter. Criteria: ACMG Guidelines, 2015. Collection method: clinical testing. Allele origin: germline.
Comment: The ROR1 c.892C>T variant is predicted to result in the amino acid substitution p.Arg298Trp. To our knowledge, this variant has not been reported in the literature. This variant is reported in 0.12% of alleles in individuals of Latino descent in gnomAD. Although we suspect that this variant may be benign, at this time, the clinical significance of this variant is uncertain due to the absence of conclusive functional and genetic evidence.